The following is an entry in ClinVar:

NM_032043.3(BRIP1):c.1356C>A (p.Asn452Lys)

Gene: BRIP1 (BRCA1 interacting DNA helicase 1; minus strand). Cytogenetic location: 17q23.2.
Variant type: single nucleotide variant.
Coding change: c.1356C>A on transcript NM_032043.3 (MANE Select); coding-DNA position 1356, C replaced by A.
Protein change: p.Asn452Lys; replaces asparagine 452 with lysine.
Molecular consequence: missense variant.
Genome position (GRCh38, 1-based): chr17:61,793,714, G>T on the plus strand (C>A on the coding strand, the complement: BRIP1 is on the minus strand). VCF-style: chr17-61793714-G-T. GRCh37 (hg19) VCF-style: chr17-59871075-G-T.
Other names: short protein forms N452K.
Identifiers: ClinVar variation 3756096 (VCV003756096.2).

ClinVar aggregate classification (germline): Uncertain significance (1 of 4 stars; one submission).

Conditions:
Fanconi anemia complementation group J. Also called: BRIP1-Related Fanconi Anemia. Identifiers: Orphanet 84, MedGen C1836860, MONDO:0012187, OMIM 609054.
Familial cancer of breast. Also called: BREAST CANCER, FAMILIAL; Hereditary breast cancer; hereditary breast carcinoma. Identifiers: Orphanet 227535, MedGen C0346153, MONDO:0016419, OMIM 114480. Disease mechanism: loss of function.

gnomAD v4.1: 1 of 1,610,094 alleles (0.000062%); highest among the groups gnomAD compares: Non-Finnish European, 0.000085%; no homozygotes.

Submission:

Labcorp Genetics (formerly Invitae), Labcorp
Classification: Uncertain significance for Familial cancer of breast; Fanconi anemia complementation group J. Last evaluated: 2024-04-28. Review status: criteria provided, single submitter. Criteria: Invitae Variant Classification Sherloc (09022015). Collection method: clinical testing. Allele origin: germline.
Comment: This sequence change replaces asparagine, which is neutral and polar, with lysine, which is basic and polar, at codon 452 of the BRIP1 protein (p.Asn452Lys). This variant is not present in population databases (gnomAD no frequency). This variant has not been reported in the literature in individuals affected with BRIP1-related conditions. Advanced modeling of protein sequence and biophysical properties (such as structural, functional, and spatial information, amino acid conservation, physicochemical variation, residue mobility, and thermodynamic stability) performed at Invitae indicates that this missense variant is not expected to disrupt BRIP1 protein function with a negative predictive value of 80%. In summary, the available evidence is currently insufficient to determine the role of this variant in disease. Therefore, it has been classified as a Variant of Uncertain Significance.